The following is an entry in ClinVar:

NM_024665.7(TBL1XR1):c.413C>G (p.Ala138Gly)

Gene: TBL1XR1 (TBL1X/Y related 1; minus strand). Cytogenetic location: 3q26.32.
Variant type: single nucleotide variant.
Coding change: c.413C>G on transcript NM_024665.7 (MANE Select); coding-DNA position 413, C replaced by G.
Protein change: p.Ala138Gly; replaces alanine 138 with glycine.
Molecular consequence: missense variant.
Genome position (GRCh38, 1-based): chr3:177,051,518, G>C on the plus strand (C>G on the coding strand, the complement: TBL1XR1 is on the minus strand). VCF-style: chr3-177051518-G-C. GRCh37 (hg19) VCF-style: chr3-176769306-G-C.
Other names: c.413C>G, p.Ala138Gly (NM_001321193.3, NM_001321194.3, NM_001374327.1 and 2 more transcripts); c.152C>G, p.Ala51Gly (NM_001321195.3, NM_001374330.1); short protein forms A138G, A51G.
Identifiers: ClinVar variation 1468034 (VCV001468034.6), dbSNP rs1717082998, ClinGen allele CA355553059.

ClinVar aggregate classification (germline): Uncertain significance (1 of 4 stars; one submission).

Conditions:
Pierpont syndrome (PRPTS). Identifiers: Orphanet 487825, MedGen C1865644, MONDO:0011213, OMIM 602342.

Allele frequency attached by ClinVar (database versions not stated): TOPMed 0.00001.
gnomAD v4.1: 1 of 1,612,596 alleles (0.000062%); highest among the groups gnomAD compares: African/African-American, 0.0013%; no homozygotes.

Submission:

Labcorp Genetics (formerly Invitae), Labcorp
Classification: Uncertain significance for Pierpont syndrome. Last evaluated: 2024-11-11. Review status: criteria provided, single submitter. Criteria: Invitae Variant Classification Sherloc (09022015). Collection method: clinical testing. Allele origin: germline.
Comment: This sequence change replaces alanine, which is neutral and non-polar, with glycine, which is neutral and non-polar, at codon 138 of the TBL1XR1 protein (p.Ala138Gly). This variant is not present in population databases (gnomAD no frequency). This variant has not been reported in the literature in individuals affected with TBL1XR1-related conditions. ClinVar contains an entry for this variant (Variation ID: 1468034). Invitae Evidence Modeling of protein sequence and biophysical properties (such as structural, functional, and spatial information, amino acid conservation, physicochemical variation, residue mobility, and thermodynamic stability) indicates that this missense variant is not expected to disrupt TBL1XR1 protein function with a negative predictive value of 95%. In summary, the available evidence is currently insufficient to determine the role of this variant in disease. Therefore, it has been classified as a Variant of Uncertain Significance.